The following is an entry in ClinVar:

ClinVar aggregate classification (germline): Uncertain significance. Review status: criteria provided, multiple submitters, no conflicts (2 of 4 stars). 2 submissions from 2 submitters: Uncertain significance (2). Last evaluated 2025-02-19.

Conditions:
Tuberous sclerosis 2 (TSC2). Identifiers: Orphanet 805, MedGen C1860707, MONDO:0013199, OMIM 613254.
Hereditary cancer-predisposing syndrome. Also called: Hereditary neoplastic syndrome; Neoplastic Syndromes, Hereditary; Hereditary Cancer Syndrome; Tumor predisposition. Identifiers: Orphanet 140162, MedGen C0027672, MeSH D009386, MONDO:0015356.

Submissions (2):

Ambry Genetics
Classification: Uncertain significance for Hereditary cancer-predisposing syndrome. Last evaluated: 2025-02-19. Review status: criteria provided, single submitter. Criteria: Ambry Variant Classification Scheme 2023. Collection method: clinical testing. Allele origin: germline.
Comment: The p.P674L variant (also known as c.2021C>T), located in coding exon 18 of the TSC2 gene, results from a C to T substitution at nucleotide position 2021. The proline at codon 674 is replaced by leucine, an amino acid with similar properties. This amino acid position is not well conserved in available vertebrate species. In addition, the in silico prediction for this alteration is inconclusive. Based on the available evidence, the clinical significance of this variant remains unclear.

Labcorp Genetics (formerly Invitae), Labcorp
Classification: Uncertain significance for Tuberous sclerosis 2. Last evaluated: 2022-11-23. Review status: criteria provided, single submitter. Criteria: Invitae Variant Classification Sherloc (09022015). Collection method: clinical testing. Allele origin: germline.
Comment: In summary, the available evidence is currently insufficient to determine the role of this variant in disease. Therefore, it has been classified as a Variant of Uncertain Significance. Advanced modeling of protein sequence and biophysical properties (such as structural, functional, and spatial information, amino acid conservation, physicochemical variation, residue mobility, and thermodynamic stability) performed at Invitae indicates that this missense variant is not expected to disrupt TSC2 protein function. This variant has not been reported in the literature in individuals affected with TSC2-related conditions. This variant is not present in population databases (gnomAD no frequency). This sequence change replaces proline, which is neutral and non-polar, with leucine, which is neutral and non-polar, at codon 674 of the TSC2 protein (p.Pro674Leu).

NM_000548.5(TSC2):c.2021C>T (p.Pro674Leu)

Gene: TSC2 (TSC complex subunit 2; plus strand). Cytogenetic location: 16p13.3.
Variant type: single nucleotide variant.
Coding change: c.2021C>T on transcript NM_000548.5 (MANE Select); coding-DNA position 2021, C replaced by T.
Protein change: p.Pro674Leu; replaces proline 674 with leucine.
Molecular consequence: missense variant. On other transcripts: non-coding transcript variant (5).
Genome position (GRCh38, 1-based): chr16:2,071,858, C>T. VCF-style: chr16-2071858-C-T. GRCh37 (hg19) VCF-style: chr16-2121859-C-T.
Other names: c.1874C>T, p.Pro625Leu (NM_001406676.1, NM_001406679.1, NM_001318829.2 and 1 more transcripts); c.1964C>T, p.Pro655Leu (NM_001406677.1); c.1910C>T, p.Pro637Leu (NM_001406678.1, NM_001318827.2, NM_001406670.1); c.1421C>T, p.Pro474Leu (NM_001406680.1, NM_001406682.1, NM_001406683.1 and 6 more transcripts); c.1559C>T, p.Pro520Leu (NM_001406681.1); c.2021C>T, p.Pro674Leu (NM_001077183.3, NM_001114382.3, NM_001363528.2 and 6 more transcripts); c.2054C>T, p.Pro685Leu (NM_001318832.2); c.677C>T, p.Pro226Leu (NM_001406695.1, NM_001406696.1, NM_001406697.1 and 6 more transcripts); and 3 more; short protein forms P625L, P674L, P704L, P637L, P226L, P520L, P670L, P685L.
Identifiers: ClinVar variation 2724275 (VCV002724275.4), dbSNP rs2151306195, ClinGen allele CA394274505.